The following is an entry in ClinVar:

ClinVar aggregate classification (germline): Conflicting classifications of pathogenicity. Review status: criteria provided, conflicting classifications (1 of 4 stars). 5 submissions from 4 submitters: Uncertain significance (4); Likely benign (1). Last evaluated 2025-09-30.

Conditions:
Hereditary cancer-predisposing syndrome. Also called: Neoplastic Syndromes, Hereditary; Hereditary Cancer Syndrome; Tumor predisposition; Hereditary neoplastic syndrome. Identifiers: Orphanet 140162, MedGen C0027672, MeSH D009386, MONDO:0015356.
Cardiovascular phenotype. Identifiers: MedGen CN230736.
Neurofibromatosis, type 1 (NF1). Also called: Peripheral type neurofibromatosis; Neurofibromatosis, type I; VON RECKLINGHAUSEN DISEASE; NEUROFIBROMATOSIS, TYPE I, SOMATIC. Identifiers: Orphanet 636, MedGen C0027831, MONDO:0018975, OMIM 162200. Disease mechanism: loss of function.

Allele frequency attached by ClinVar (database versions not stated): gnomAD exomes below 0.00001 and 0.00001; ExAC 0.00001; TOPMed 0.00001.
gnomAD v4.1: 5 of 1,613,982 alleles (0.00031%); highest among the groups gnomAD compares: East Asian, 0.0022%; no homozygotes.

Submissions (5):

Labcorp Genetics (formerly Invitae), Labcorp
Classification: Likely benign for Neurofibromatosis, type 1. Last evaluated: 2025-09-30. Review status: criteria provided, single submitter. Criteria: Invitae Variant Classification Sherloc (09022015). Collection method: clinical testing. Allele origin: germline.

Blueprint Genetics
Classification: Uncertain significance. Last evaluated: 2023-03-30. Review status: criteria provided, single submitter. Criteria: ACMG Guidelines, 2015. Collection method: clinical testing. Allele origin: germline.

Genome-Nilou Lab
Classification: Uncertain significance for Neurofibromatosis, type 1. Last evaluated: 2022-03-15. Review status: criteria provided, single submitter. Criteria: ACMG Guidelines, 2015. Collection method: clinical testing. Allele origin: germline. Affected: no.

Ambry Genetics
Classification: Uncertain significance for Cardiovascular phenotype; Hereditary cancer-predisposing syndrome. Last evaluated: 2021-04-20. Review status: criteria provided, single submitter. Criteria: Ambry Variant Classification Scheme 2023. Collection method: clinical testing. Allele origin: germline.

Ambry Genetics
Classification: Uncertain significance for Hereditary cancer-predisposing syndrome. Last evaluated: 2015-06-15. Review status: criteria provided, single submitter. Criteria: Ambry Autosomal Dominant and X-Linked criteria (10/2015). Collection method: clinical testing. Allele origin: germline. Observed: 1 variant allele.
Comment: The p.A1676T variant (also known as c.5026G>A and p.A1655T and c.4963G>A), located in coding exon 37 of the NF1 gene, results from a G to A substitution at nucleotide position 5026. The alanine at codon 1676 is replaced by threonine, an amino acid with similar properties. In the ESP, this variant was not observed in 6503 samples (13006 alleles) with coverage at this position. To date, this alteration has been detected with an allele frequency of approximately 0.002% (greater than 55000alleles tested) in our clinical cohort. This amino acid position is well conserved in available vertebrate species. In addition, the in silico prediction for this alteration is inconclusive. Since supporting evidence is limited at this time, the clinical significance of p.A1676Tremains unclear.

NM_001042492.3(NF1):c.5026G>A (p.Ala1676Thr)

Gene: NF1 (neurofibromin 1; plus strand). Cytogenetic location: 17q11.2.
Variant type: single nucleotide variant.
Coding change: c.5026G>A on transcript NM_001042492.3 (MANE Select); coding-DNA position 5026, G replaced by A.
Protein change: p.Ala1676Thr; replaces alanine 1676 with threonine.
Molecular consequence: missense variant.
Genome position (GRCh38, 1-based): chr17:31,326,010, G>A. VCF-style: chr17-31326010-G-A. GRCh37 (hg19) VCF-style: chr17-29653028-G-A.
Other names: c.4963G>A, p.Ala1655Thr (NM_000267.4); short protein forms A1655T, A1676T.
Identifiers: ClinVar variation 232362 (VCV000232362.12), dbSNP rs756450772, ClinGen allele CA8487128.